The following is an entry in ClinVar:

ClinVar aggregate classification (germline): Uncertain significance. Review status: criteria provided, multiple submitters, no conflicts (2 of 4 stars). 2 submissions from 2 submitters: Uncertain significance (2). Last evaluated 2024-11-28.

Conditions:
Tietz syndrome (TADS). Also called: ALBINISM-DEAFNESS OF TIETZ; HYPOPIGMENTATION/DEAFNESS OF TIETZ; TIETZ ALBINISM-DEAFNESS SYNDROME. Identifiers: Orphanet 42665, MedGen C0391816, MONDO:0007077, OMIM 103500.
Waardenburg syndrome type 2A (WS2A). Also called: WAARDENBURG SYNDROME WITHOUT DYSTOPIA CANTHORUM. Identifiers: Orphanet 3440, MedGen C1860339, MONDO:0008671, OMIM 193510.
Melanoma, cutaneous malignant, susceptibility to, 8. Also called: MELANOMA AND RENAL CELL CARCINOMA, SUSCEPTIBILITY TO; Cutaneous malignant melanoma 8. Identifiers: Orphanet 293822, MedGen C3152204, MONDO:0013759, OMIM 614456.
Hereditary cancer-predisposing syndrome. Also called: Tumor predisposition; Hereditary Cancer Syndrome; Hereditary neoplastic syndrome; Neoplastic Syndromes, Hereditary. Identifiers: Orphanet 140162, MedGen C0027672, MeSH D009386, MONDO:0015356.

Allele frequency attached by ClinVar (database versions not stated): gnomAD exomes below 0.00001; TOPMed 0.00001.
gnomAD v4.1: 1 of 1,613,118 alleles (0.000062%); highest among the groups gnomAD compares: African/African-American, 0.0013%; no homozygotes.

Submissions (2):

Ambry Genetics
Classification: Uncertain significance for Hereditary cancer-predisposing syndrome. Last evaluated: 2024-11-28. Review status: criteria provided, single submitter. Criteria: Ambry Variant Classification Scheme 2023. Collection method: clinical testing. Allele origin: germline.
Comment: The p.G136S variant (also known as c.406G>A), located in coding exon 4 of the MITF gene, results from a G to A substitution at nucleotide position 406. The glycine at codon 136 is replaced by serine, an amino acid with similar properties. This amino acid position is conserved. In addition, the in silico prediction for this alteration is inconclusive. Based on the available evidence, the clinical significance of this variant remains unclear.

Labcorp Genetics (formerly Invitae), Labcorp
Classification: Uncertain significance for Melanoma, cutaneous malignant, susceptibility to, 8; Waardenburg syndrome type 2A; Tietz syndrome. Last evaluated: 2024-09-15. Review status: criteria provided, single submitter. Criteria: Invitae Variant Classification Sherloc (09022015). Collection method: clinical testing. Allele origin: germline.
Comment: This sequence change replaces glycine, which is neutral and non-polar, with serine, which is neutral and polar, at codon 136 of the MITF protein (p.Gly136Ser). This variant is not present in population databases (gnomAD no frequency). This variant has not been reported in the literature in individuals affected with MITF-related conditions. Invitae Evidence Modeling of protein sequence and biophysical properties (such as structural, functional, and spatial information, amino acid conservation, physicochemical variation, residue mobility, and thermodynamic stability) indicates that this missense variant is not expected to disrupt MITF protein function with a negative predictive value of 80%. In summary, the available evidence is currently insufficient to determine the role of this variant in disease. Therefore, it has been classified as a Variant of Uncertain Significance.

NM_001354604.2(MITF):c.727G>A (p.Gly243Ser)

Gene: MITF (melanocyte inducing transcription factor; plus strand). Cytogenetic location: 3p13.
Variant type: single nucleotide variant.
Coding change: c.727G>A on transcript NM_001354604.2 (MANE Select); coding-DNA position 727, G replaced by A.
Protein change: p.Gly243Ser; replaces glycine 243 with serine.
Molecular consequence: missense variant.
Genome position (GRCh38, 1-based): chr3:69,941,296, G>A. VCF-style: chr3-69941296-G-A. GRCh37 (hg19) VCF-style: chr3-69990447-G-A.
Other names: c.406G>A, p.Gly136Ser (NM_000248.4, NM_198158.3); c.571G>A, p.Gly191Ser (NM_001184967.2, NM_001354608.2); c.724G>A, p.Gly242Ser (NM_001354605.2, NM_001354606.2, NM_006722.3); c.676G>A, p.Gly226Ser (NM_001354607.2); c.727G>A, p.Gly243Ser (NM_198159.3); c.679G>A, p.Gly227Ser (NM_198177.3); c.238G>A, p.Gly80Ser (NM_198178.3); short protein forms G191S, G226S, G227S, G243S, G136S, G242S, G80S.
Identifiers: ClinVar variation 2939768 (VCV002939768.3), dbSNP rs2065963388, ClinGen allele CA353561149.